The following is an entry in ClinVar:

ClinVar aggregate classification (germline): Conflicting classifications of pathogenicity. Review status: no assertion criteria provided (0 of 4 stars). 2 submissions from 2 submitters: Uncertain significance (1); Likely benign (1). Last evaluated 2023-06-01.

Conditions:
Methylmalonic acidemia (MMA). Also called: Isolated Methylmalonic Acidemia. Identifiers: MedGen C0268583, MeSH C537358, MONDO:0002012, HP:0002912.
ACSF3-related disorder. Also called: ACSF3-related condition.

Allele frequency attached by ClinVar (database versions not stated): gnomAD 0.00003 and 0.00007; gnomAD exomes 0.00003 and 0.00008; ExAC 0.00010; TOPMed 0.00013; 1000 Genomes Project 0.00100; 1000 Genomes Project 30x 0.00109.
gnomAD v4.1: 58 of 1,612,526 alleles (0.0036%); highest among the groups gnomAD compares: East Asian, 0.1%; no homozygotes.

Submissions (2):

PreventionGenetics, part of Exact Sciences
Classification: Likely benign for ACSF3-related condition. Last evaluated: 2023-06-01. Review status: no assertion criteria provided. Collection method: clinical testing. Allele origin: germline.
Comment: This variant is classified as likely benign based on ACMG/AMP sequence variant interpretation guidelines (Richards et al. 2015 PMID: 25741868, with internal and published modifications).

Natera, Inc.
Classification: Uncertain significance for Methylmalonic acidemia. Last evaluated: 2020-05-01. Review status: no assertion criteria provided. Collection method: clinical testing. Allele origin: germline.

NM_001243279.3(ACSF3):c.*10C>T

Gene: ACSF3 (acyl-CoA synthetase family member 3; plus strand). Cytogenetic location: 16q24.3.
Variant type: single nucleotide variant.
Coding change: c.*10C>T on transcript NM_001243279.3 (MANE Select); 10 bases downstream of the stop codon, C replaced by T.
Molecular consequence: 3 prime UTR variant. On other transcripts: non-coding transcript variant (4).
Genome position (GRCh38, 1-based): chr16:89,154,217, C>T. VCF-style: chr16-89154217-C-T. GRCh37 (hg19) VCF-style: chr16-89220625-C-T.
Other names: c.*10C>T (NM_001127214.4, NM_001284316.2, NM_174917.5 and 1 more transcripts).
Identifiers: ClinVar variation 992109 (VCV000992109.3), dbSNP rs199783009, ClinGen allele CA8238388.